The following is an entry in ClinVar:

NM_001379500.1(COL18A1):c.1158C>G (p.Pro386=)

Gene: COL18A1 (collagen type XVIII alpha 1 chain; plus strand). Cytogenetic location: 21q22.3.
Variant type: single nucleotide variant.
Coding change: c.1158C>G on transcript NM_001379500.1 (MANE Select); coding-DNA position 1158, C replaced by G.
Protein change: p.Pro386=; no amino-acid change (proline 386 retained).
Molecular consequence: synonymous variant.
Genome position (GRCh38, 1-based): chr21:45,477,902, C>G. VCF-style: chr21-45477902-C-G. GRCh37 (hg19) VCF-style: chr21-46897816-C-G.
Other names: c.1698C>G, p.Pro566= (NM_030582.4); c.2403C>G, p.Pro801= (NM_130444.3); c.1698C>G (NM_030582.3).
Identifiers: ClinVar variation 1083498 (VCV001083498.14), dbSNP rs533684137, ClinGen allele CA10066088.
Genomic context (GRCh38, chr21:45,477,902, plus strand): 5'-GGGTCTCCCGTGCCCAGTGAGTCCCCTGGGTCCTGCAGGCCCAGCGTTGCAAACTGTCCC[C>G]GGACCACAAGGACCCCCAGGGCCTCCGGGGAGGGACGGCACCCCTGGAAGGGACGGCGAG-3'
Protein context (NP_001366429.1, residues 376-396): GPAGPALQTV[Pro386=]GPQGPPGPPG

ClinVar aggregate classification (germline): Likely benign. Review status: criteria provided, multiple submitters, no conflicts (2 of 4 stars). 5 submissions from 5 submitters: Likely benign (3). 2 of the submissions do not count toward it. Last evaluated 2026-05-21.

Conditions:
COL18A1-related disorder. Also called: COL18A1-related disorders; COL18A1-related condition.

Allele frequency attached by ClinVar (database versions not stated): ExAC 0.00010; 1000 Genomes Project 0.00040; 1000 Genomes Project 30x 0.00062.
gnomAD v4.1: 121 of 1,565,140 alleles (0.0077%); highest among the groups gnomAD compares: Admixed American, 0.064%; no homozygotes.

Submissions (5):

PreventionGenetics, part of Exact Sciences
Classification: Likely benign for COL18A1-related condition. Last evaluated: 2026-05-21. Review status: criteria provided, single submitter. Criteria: ACMG Guidelines, 2015. Collection method: clinical testing. Allele origin: germline.
Comment: This variant is classified as likely benign based on ACMG/AMP sequence variant interpretation guidelines (Richards et al. 2015 PMID: 25741868, with internal and published modifications).

Labcorp Genetics (formerly Invitae), Labcorp
Classification: Likely benign. Last evaluated: 2025-11-17. Review status: criteria provided, single submitter. Criteria: Invitae Variant Classification Sherloc (09022015). Collection method: clinical testing. Allele origin: germline.

Blueprint Genetics
Classification: Likely benign. Last evaluated: 2024-10-21. Review status: criteria provided, single submitter. Criteria: ACMG Guidelines, 2015. Collection method: clinical testing. Allele origin: germline.

Clinical Genetics DNA and cytogenetics Diagnostics Lab, Erasmus MC, Erasmus Medical Center
Classification: Likely benign. Review status: no assertion criteria provided. Collection method: clinical testing. Allele origin: germline. Affected: yes. Study: VKGL Data-share Consensus. Not counted in ClinVar's aggregate classification.

Clinical Genetics, Academic Medical Center
Classification: Benign. Review status: no assertion criteria provided. Collection method: clinical testing. Allele origin: germline. Affected: yes. Study: VKGL Data-share Consensus. Not counted in ClinVar's aggregate classification.